The following is an entry in ClinVar:

ClinVar aggregate classification (germline): Conflicting classifications of pathogenicity. Review status: criteria provided, conflicting classifications (1 of 4 stars). 7 submissions from 7 submitters: Uncertain significance (6); Benign (1). Last evaluated 2025-09-15.

Conditions:
Familial adenomatous polyposis 2. Also called: Adenomas, multiple colorectal; MUTYH Polyposis; COLORECTAL ADENOMATOUS POLYPOSIS, AUTOSOMAL RECESSIVE; ADENOMAS, MULTIPLE COLORECTAL, AUTOSOMAL RECESSIVE; FAP type 2; MUTYH-associated polyposis. Identifiers: Orphanet 220460, Orphanet 247798, MedGen C3272841, MONDO:0012041, OMIM 608456.
Hereditary cancer-predisposing syndrome. Also called: Neoplastic Syndromes, Hereditary; Hereditary Cancer Syndrome; Hereditary neoplastic syndrome; Tumor predisposition. Identifiers: Orphanet 140162, MedGen C0027672, MeSH D009386, MONDO:0015356.

gnomAD v4.1: 2 of 1,614,162 alleles (0.00012%); highest among the groups gnomAD compares: Non-Finnish European, 0.00017%; no homozygotes.

Submissions (7):

Quest Diagnostics Nichols Institute San Juan Capistrano
Classification: Uncertain significance. Last evaluated: 2025-09-15. Review status: criteria provided, single submitter. Criteria: Quest Diagnostics criteria. Collection method: clinical testing. Allele origin: unknown.
Comment: The MUTYH c.1389G>C (p.Gln463His) variant has not been reported in individuals with MUTYH-related conditions in the published literature. This variant has not been reported in large, multi-ethnic general populations (Genome Aggregation Database). Analysis of this variant using bioinformatics tools for the prediction of the effect of amino acid changes on protein structure and function yielded predictions that this variant is benign. Based on the available information, we are unable to determine the clinical significance of this variant.

Ambry Genetics
Classification: Benign for Hereditary cancer-predisposing syndrome. Last evaluated: 2025-09-09. Review status: criteria provided, single submitter. Criteria: Ambry Variant Classification Scheme 2023. Collection method: clinical testing. Allele origin: germline.

Labcorp Genetics (formerly Invitae), Labcorp
Classification: Uncertain significance for Familial adenomatous polyposis 2. Last evaluated: 2025-08-13. Review status: criteria provided, single submitter. Criteria: Invitae Variant Classification Sherloc (09022015). Collection method: clinical testing. Allele origin: germline.
Comment: This sequence change replaces glutamine, which is neutral and polar, with histidine, which is basic and polar, at codon 463 of the MUTYH protein (p.Gln463His). This variant is not present in population databases (gnomAD no frequency). This variant has not been reported in the literature in individuals affected with MUTYH-related conditions. ClinVar contains an entry for this variant (Variation ID: 1040394). An algorithm developed to predict the effect of missense changes on protein structure and function outputs the following: PolyPhen-2: "Benign". The histidine amino acid residue is found in multiple mammalian species, which suggests that this missense change does not adversely affect protein function. In summary, the available evidence is currently insufficient to determine the role of this variant in disease. Therefore, it has been classified as a Variant of Uncertain Significance.

All of Us Research Program, National Institutes of Health
Classification: Uncertain significance for Familial adenomatous polyposis 2. Last evaluated: 2024-02-22. Review status: criteria provided, single submitter. Criteria: ACMG Guidelines, 2015. Collection method: clinical testing. Allele origin: germline. Inheritance: Autosomal recessive inheritance. Observed: 1 variant allele, 1 heterozygote.
Comment: This missense variant replaces glutamine with histidine at codon 463 of the MUTYH protein. Computational prediction suggests that this variant may not impact protein structure and function. To our knowledge, functional studies have not been reported for this variant. This variant has not been reported in individuals affected with MUTYH-related disorders in the literature. This variant has not been identified in the general population by the Genome Aggregation Database (gnomAD). The available evidence is insufficient to determine the role of this variant in disease conclusively. Therefore, this variant is classified as a Variant of Uncertain Significance.

This study involves interpretation of variants in research participants for the purpose of population health screening. Participant phenotype was not available at the time of variant classification. Additional details can be found in publication PMID: 35346344, PMCID: PMC8962531

Color Diagnostics, LLC DBA Color Health
Classification: Uncertain significance for Hereditary cancer-predisposing syndrome. Last evaluated: 2024-02-02. Review status: criteria provided, single submitter. Criteria: ACMG Guidelines, 2015. Collection method: clinical testing. Allele origin: germline.
Comment: This missense variant replaces glutamine with histidine at codon 463 of the MUTYH protein. Computational prediction suggests that this variant may not impact protein structure and function. To our knowledge, functional studies have not been reported for this variant. This variant has not been reported in individuals affected with MUTYH-related disorders in the literature. This variant has not been identified in the general population by the Genome Aggregation Database (gnomAD). The available evidence is insufficient to determine the role of this variant in disease conclusively. Therefore, this variant is classified as a Variant of Uncertain Significance.

Women's Health and Genetics/Laboratory Corporation of America, LabCorp
Classification: Uncertain significance. Last evaluated: 2021-12-17. Review status: criteria provided, single submitter. Criteria: LabCorp Variant Classification Summary - May 2015. Collection method: clinical testing. Allele origin: germline.
Comment: Variant summary: MUTYH c.1389G>C (p.Gln463His) results in a non-conservative amino acid change located in the NUDIX hydrolase domain (IPR000086) of the encoded protein sequence. Three of five in-silico tools predict a benign effect of the variant on protein function. The variant was absent in 251492 control chromosomes (gnomAD). To our knowledge, no experimental evidence demonstrating an impact on protein function has been reported. One clinical diagnostic laboratory has submitted clinical-significance assessments for this variant to ClinVar after 2014 and classified the variant as uncertain significance. Based on the evidence outlined above, the variant was classified as VUS.

Sema4
Classification: Uncertain significance for Hereditary cancer-predisposing syndrome. Last evaluated: 2021-08-11. Review status: criteria provided, single submitter. Criteria: Sema4 Curation Guidelines. Collection method: curation. Allele origin: germline.
Comment: The MUTYH c.1389G>C (p.Q463H) variant has not been reported in the literature to our knowledge. It was not observed in the large and broad cohorts of the Genome Aggregation Database (PMID: 32461654). The variant has been reported in ClinVar (Variation ID 1040394). Functional studies have not been performed, and in silico predictions of the variant's effect on protein function are inconclusive. The evidence is insufficient to meet ACMG/AMP criteria for classifying the variant as benign or pathogenic. Thus, the clinical significance of this variant is currently uncertain.

Literature cited by the submitters: PubMed 40738107 (cited by Ambry Genetics); PubMed 18422726 (cited by Women's Health and Genetics/Laboratory Corporation of America, LabCorp); PubMed 29406563 (cited by Women's Health and Genetics/Laboratory Corporation of America, LabCorp).

NM_001048174.2(MUTYH):c.1305G>C (p.Gln435His)

Gene: MUTYH (mutY DNA glycosylase; minus strand). Cytogenetic location: 1p34.1.
Variant type: single nucleotide variant.
Coding change: c.1305G>C on transcript NM_001048174.2 (MANE Select); coding-DNA position 1305, G replaced by C.
Protein change: p.Gln435His; replaces glutamine 435 with histidine.
Molecular consequence: missense variant. On other transcripts: non-coding transcript variant (2).
Genome position (GRCh38, 1-based): chr1:45,331,269, C>G on the plus strand (G>C on the coding strand, the complement: MUTYH is on the minus strand). VCF-style: chr1-45331269-C-G. GRCh37 (hg19) VCF-style: chr1-45796941-C-G.
Other names: c.1305G>C, p.Gln435His (NM_001048171.2, NM_001048173.2, NM_001293195.2); c.1308G>C, p.Gln436His (NM_001048172.2); c.1389G>C, p.Gln463His (NM_001128425.2); c.1350G>C, p.Gln450His (NM_001293190.2); c.1338G>C, p.Gln446His (NM_001293191.2); c.1029G>C, p.Gln343His (NM_001293192.2, NM_001293196.2); c.960G>C, p.Gln320His (NM_001350650.2, NM_001350651.2); c.1380G>C, p.Gln460His (NM_012222.3); short protein forms Q463H, Q343H, Q450H, Q320H, Q435H, Q446H, Q436H, Q460H.
Identifiers: ClinVar variation 1040394 (VCV001040394.15), dbSNP rs1434384304, ClinGen allele CA340132670.
Genomic context (GRCh38, chr1:45,331,269, plus strand): 5'-GGTGTGAAATTCCTCCTGCGTCAGCCAGCGAGCACCTGGTGGTACGGTGGTCACTGGGGT[C>G]TGCCCTTCCAAGGCCAGCCCATATACTTGATATGTCAGCTTGATGTGAGAGAAGGTGTGG-3'
Protein context (NP_001041639.1, residues 425-445): YQVYGLALEG[Gln435His]TPVTTVPPGA